The following is an entry in ClinVar:

ClinVar aggregate classification (germline): Likely pathogenic (0 of 4 stars; one submission).

Conditions:
KIF1A-related disorder. Also called: KIF1A-related disorders; KIF1A-related condition.

Submission:

PreventionGenetics, part of Exact Sciences
Classification: Likely pathogenic for KIF1A-related condition. Last evaluated: 2023-10-18. Review status: no assertion criteria provided. Collection method: clinical testing. Allele origin: germline.
Comment: The KIF1A c.142A>G variant is predicted to result in the amino acid substitution p.Lys48Glu. This variant has been reported as a de novo finding in an individual with a congenital onset KIF1A related disorder characterized by developmental delay, intellectual disability, hypotonia, and spastic paraplegia (Nicita et al. 2021. PubMed ID: 32737135). This variant has not been reported in a large population database, indicating this variant is rare. We classify this variant as likely pathogenic.

NM_001244008.2(KIF1A):c.142A>G (p.Lys48Glu)

Gene: KIF1A (kinesin family member 1A; minus strand). Cytogenetic location: 2q37.3.
Variant type: single nucleotide variant.
Coding change: c.142A>G on transcript NM_001244008.2 (MANE Select); coding-DNA position 142, A replaced by G.
Protein change: p.Lys48Glu; replaces lysine 48 with glutamic acid.
Molecular consequence: missense variant.
Genome position (GRCh38, 1-based): chr2:240,789,277, T>C on the plus strand (A>G on the coding strand, the complement: KIF1A is on the minus strand). VCF-style: chr2-240789277-T-C. GRCh37 (hg19) VCF-style: chr2-241728694-T-C.
Other names: c.142A>G, p.Lys48Glu (NM_001320705.2, NM_001330289.2, NM_001330290.2 and 21 more transcripts); short protein forms K48E.
Identifiers: ClinVar variation 2633836 (VCV002633836.3), dbSNP rs2538462644, ClinGen allele CA351311767.